The following is an entry in ClinVar:

ClinVar aggregate classification (germline): Uncertain significance (1 of 4 stars; one submission).

Submission:

Labcorp Genetics (formerly Invitae), Labcorp
Classification: Uncertain significance. Last evaluated: 2024-10-29. Review status: criteria provided, single submitter. Criteria: Invitae Variant Classification Sherloc (09022015). Collection method: clinical testing. Allele origin: germline.
Comment: This sequence change replaces glycine, which is neutral and non-polar, with alanine, which is neutral and non-polar, at codon 9 of the NDUFA2 protein (p.Gly9Ala). This variant is not present in population databases (gnomAD no frequency). This variant has not been reported in the literature in individuals affected with NDUFA2-related conditions. ClinVar contains an entry for this variant (Variation ID: 1507103). An algorithm developed to predict the effect of missense changes on protein structure and function outputs the following: PolyPhen-2: "Benign". The alanine amino acid residue is found in multiple mammalian species, which suggests that this missense change does not adversely affect protein function. In summary, the available evidence is currently insufficient to determine the role of this variant in disease. Therefore, it has been classified as a Variant of Uncertain Significance.

NM_002488.5(NDUFA2):c.26G>C (p.Gly9Ala)

Genes: NDUFA2 (NADH:ubiquinone oxidoreductase subunit A2; minus strand), TMCO6 (transmembrane and coiled-coil domains 6; plus strand). Cytogenetic location: 5q31.3.
Variant type: single nucleotide variant.
Coding change: c.26G>C on transcript NM_002488.5 (MANE Select); coding-DNA position 26, G replaced by C.
Protein change: p.Gly9Ala; replaces glycine 9 with alanine.
Molecular consequence: missense variant. On other transcripts: non-coding transcript variant (1).
Genome position (GRCh38, 1-based): chr5:140,647,558, C>G on the plus strand (G>C on the coding strand, the complement: NDUFA2 is on the minus strand). VCF-style: chr5-140647558-C-G. GRCh37 (hg19) VCF-style: chr5-140027143-C-G.
Other names: c.26G>C, p.Gly9Ala (NM_001185012.2); short protein forms G9A.
Identifiers: ClinVar variation 1507103 (VCV001507103.6), dbSNP rs1255776529, ClinGen allele CA361216848.